The following is an entry in ClinVar:

ClinVar aggregate classification (germline): Uncertain significance (1 of 4 stars; one submission).

Submission:

Labcorp Genetics (formerly Invitae), Labcorp
Classification: Uncertain significance. Last evaluated: 2024-12-19. Review status: criteria provided, single submitter. Criteria: Invitae Variant Classification Sherloc (09022015). Collection method: clinical testing. Allele origin: germline.
Comment: This variant, c.1602_1610dup, results in the insertion of 3 amino acid(s) of the BCL11B protein (p.Asp534_Glu536dup), but otherwise preserves the integrity of the reading frame. The frequency data for this variant in the population databases is considered unreliable, as metrics indicate poor data quality at this position in the gnomAD database. This variant has not been reported in the literature in individuals affected with BCL11B-related conditions. ClinVar contains an entry for this variant (Variation ID: 2780969). Experimental studies and prediction algorithms are not available or were not evaluated, and the functional significance of this variant is currently unknown. In summary, the available evidence is currently insufficient to determine the role of this variant in disease. Therefore, it has been classified as a Variant of Uncertain Significance.

NM_138576.4(BCL11B):c.1602_1610dup (p.Glu536_Glu537insAspGluGlu)

Gene: BCL11B (BCL11 transcription factor B; minus strand). Cytogenetic location: 14q32.2.
Variant type: Duplication.
Coding change: c.1602_1610dup on transcript NM_138576.4 (MANE Select); coding-DNA positions 1602 to 1610, 9 bases duplicated (CGAGGAGGA; older notation c.1602_1610dupCGAGGAGGA).
Protein change: p.Glu536_Glu537insAspGluGlu.
Molecular consequence: inframe insertion.
Genome position (GRCh38, 1-based): chr14:99,175,226-99,175,234, TCCTCCTCG duplicated on the plus strand (CGAGGAGGA on the coding strand, the reverse complement: BCL11B is on the minus strand); duplicating any 9 consecutive bases within chr14:99,175,226-99,175,242 gives the same sequence; the c. name uses the placement nearest the transcript's 3' end. VCF-style (leftmost placement, unchanged base first): chr14-99175225-C-CTCCTCCTCG. GRCh37 (hg19) VCF-style: chr14-99641562-C-CTCCTCCTCG.
Other names: c.1599_1607dup, p.Glu535_Glu536insAspGluGlu (NM_001282237.2); c.1386_1394dup, p.Glu464_Glu465insAspGluGlu (NM_001282238.2); c.1389_1397dup, p.Glu465_Glu466insAspGluGlu (NM_022898.3).
Identifiers: ClinVar variation 2780969 (VCV002780969.3), dbSNP rs1413975396, ClinGen allele CA616578055.
Genomic context (GRCh38, chr14:99,175,225, plus strand): 5'-GCTGAAGCTCGACTCGGGCCGGCTCTCGTTCTCCAGTAGCAGCTCCTCCTCCTCCTCCTC[C>CTCCTCCTCG]TCCTCCTCGTCCTCCTCCTCCGGCTCGTGGCCCAGCGACGGGTCGCTCTCGTGGTGGCGG-3'